The following is an entry in ClinVar:

NM_020975.6(RET):c.398G>A (p.Arg133His)

Gene: RET (ret proto-oncogene; plus strand). Cytogenetic location: 10q11.21.
Variant type: single nucleotide variant.
Coding change: c.398G>A on transcript NM_020975.6 (MANE Select); coding-DNA position 398, G replaced by A.
Protein change: p.Arg133His; replaces arginine 133 with histidine.
Molecular consequence: missense variant.
Genome position (GRCh38, 1-based): chr10:43,102,402, G>A. VCF-style: chr10-43102402-G-A. GRCh37 (hg19) VCF-style: chr10-43597850-G-A.
Other names: c.398G>A, p.Arg133His (NM_001406782.1, NM_001406785.1, NM_001406787.1 and 16 more transcripts); short protein forms R133H.
Identifiers: ClinVar variation 568215 (VCV000568215.19), dbSNP rs138265837, ClinGen allele CA043594.

ClinVar aggregate classification (germline): Conflicting classifications of pathogenicity. Review status: criteria provided, conflicting classifications (1 of 4 stars). 7 submissions from 7 submitters: Uncertain significance (3); Benign (2); Likely benign (2). Last evaluated 2026-01-21.

Conditions:
Multiple endocrine neoplasia, type 2 (MEN2). Identifiers: Orphanet 653, MedGen C4048306, MONDO:0019003. Disease mechanism: gain of function.
Pheochromocytoma. Also called: MAX-Related Hereditary Paraganglioma-Pheochromocytoma Syndrome. Identifiers: Orphanet 29072, MedGen C0031511, MONDO:0008233, OMIM 171300, HP:0002666.
Familial medullary thyroid carcinoma (MTC). Also called: Thyroid cancer, familial medullary; MTC, familial; Familial Medullary Thyroid Carcinoma (FMTC). Identifiers: Orphanet 653, Orphanet 99361, MedGen C1833921, MONDO:0007958, OMIM 155240.
Multiple endocrine neoplasia type 2B. Also called: Multiple endocrine neoplasia, type 3; MULTIPLE ENDOCRINE NEOPLASIA, TYPE IIB; MUCOSAL NEUROMA SYNDROME; MEN 2B; Multiple Endocrine Neoplasia Type 2B (MEN2B); MEN IIB. Identifiers: Orphanet 247709, Orphanet 653, MedGen C0025269, MeSH D018814, MONDO:0008082, OMIM 162300.
Multiple endocrine neoplasia type 2A. Also called: MULTIPLE ENDOCRINE NEOPLASIA, TYPE IIA; PTC SYNDROME; SIPPLE SYNDROME; MEN 2A; MEN-2A syndrome; Pheochromocytoma and amyloid producing medullary thyroid carcinoma. Identifiers: Orphanet 247698, Orphanet 653, MedGen C0025268, MeSH D018813, MONDO:0008234, OMIM 171400.
Hirschsprung disease, susceptibility to, 1 (HSCR1). Also called: RET-Related Hirschsprung Disease. Identifiers: Orphanet 388, MedGen C3888239, MONDO:0007723, OMIM 142623.
Hereditary cancer-predisposing syndrome. Also called: Neoplastic Syndromes, Hereditary; Hereditary Cancer Syndrome; Tumor predisposition; Hereditary neoplastic syndrome. Identifiers: Orphanet 140162, MedGen C0027672, MeSH D009386, MONDO:0015356.

Allele frequency attached by ClinVar (database versions not stated): gnomAD exomes 0.00002 and 0.00005; ExAC 0.00007; TOPMed 0.00009; gnomAD 0.00012; ESP Exome Variant Server 0.00015; 1000 Genomes Project 30x 0.00016; 1000 Genomes Project 0.00020.
gnomAD v4.1: 41 of 1,614,220 alleles (0.0025%); highest among the groups gnomAD compares: African/African-American, 0.039%; no homozygotes.

Submissions (7):

Labcorp Genetics (formerly Invitae), Labcorp
Classification: Likely benign for Multiple endocrine neoplasia, type 2. Last evaluated: 2026-01-21. Review status: criteria provided, single submitter. Criteria: Invitae Variant Classification Sherloc (09022015). Collection method: clinical testing. Allele origin: germline.

Quest Diagnostics Nichols Institute San Juan Capistrano
Classification: Uncertain significance. Last evaluated: 2025-07-18. Review status: criteria provided, single submitter. Criteria: Quest Diagnostics criteria. Collection method: clinical testing. Allele origin: unknown.

Color Diagnostics, LLC DBA Color Health
Classification: Benign for Multiple endocrine neoplasia, type 2. Last evaluated: 2025-06-02. Review status: criteria provided, single submitter. Criteria: ACMG Guidelines, 2015. Collection method: clinical testing. Allele origin: germline.

Ambry Genetics
Classification: Benign for Hereditary cancer-predisposing syndrome. Last evaluated: 2023-05-03. Review status: criteria provided, single submitter. Criteria: Ambry Variant Classification Scheme 2023. Collection method: clinical testing. Allele origin: germline.

Women's Health and Genetics/Laboratory Corporation of America, LabCorp
Classification: Likely benign. Last evaluated: 2022-11-03. Review status: criteria provided, single submitter. Criteria: LabCorp Variant Classification Summary - May 2015. Collection method: clinical testing. Allele origin: germline.
Comment: Variant summary: RET c.398G>A (p.Arg133His) results in a non-conservative amino acid change located in the cadherin like domain 1 (IPR041163) of the encoded protein sequence. Three of four in-silico tools predict a benign effect of the variant on protein function. The variant allele was found at a frequency of 4.8e-05 in 251416 control chromosomes, predominantly at a frequency of 0.00068 within the African or African-American subpopulation in the gnomAD database (exomes dataset). The observed variant frequency within African or African-American control individuals in the gnomAD database is approximately 18-fold of the estimated maximal expected allele frequency for a pathogenic variant in RET causing Multiple Endocrine Neoplasia Type 2 (MEN2) phenotype (3.7e-05), and is about 2.75-fold of the estimated MPAF for causing Hirschsprung Disease (HD) phenotype (0.00025), suggesting that the variant is a benign polymorphism for both phenotypes. To our knowledge, no occurrence of c.398G>A in individuals affected with Multiple Endocrine Neoplasia Type 2 and no experimental evidence demonstrating its impact on protein function have been reported. A different missense variant affecting the same residue (R133C), has been reported in an individual affected with Hirschsprung disease (HGMD). Two clinical diagnostic laboratories have submitted clinical-significance assessments for this variant to ClinVar after 2014, and both of them classified the variant as uncertain significance. Based on the evidence outlined above, the variant was classified as likely benign.

Fulgent Genetics
Classification: Uncertain significance for Hirschsprung disease, susceptibility to, 1; Familial medullary thyroid carcinoma; Multiple endocrine neoplasia type 2B; Pheochromocytoma; Multiple endocrine neoplasia type 2A. Last evaluated: 2022-03-11. Review status: criteria provided, single submitter. Criteria: ACMG Guidelines, 2015. Collection method: clinical testing. Allele origin: unknown.

Breakthrough Genomics
Classification: Uncertain significance. Review status: criteria provided, single submitter. Criteria: ACMG Guidelines, 2015. Collection method: not provided. Allele origin: germline. Inheritance: Autosomal dominant inheritance. Affected: yes.

Literature cited by the submitters: PubMed 23084198 (cited by Ambry Genetics).